The following is an entry in ClinVar:

NM_015192.4(PLCB1):c.3143A>C (p.Glu1048Ala)

Gene: PLCB1 (phospholipase C beta 1; plus strand). Cytogenetic location: 20p12.3.
Variant type: single nucleotide variant.
Coding change: c.3143A>C on transcript NM_015192.4 (MANE Select); coding-DNA position 3143, A replaced by C.
Protein change: p.Glu1048Ala; replaces glutamic acid 1048 with alanine.
Molecular consequence: missense variant.
Genome position (GRCh38, 1-based): chr20:8,788,480, A>C. VCF-style: chr20-8788480-A-C. GRCh37 (hg19) VCF-style: chr20-8769127-A-C.
Other names: c.3143A>C, p.Glu1048Ala (NM_182734.3); short protein forms E1048A.
Identifiers: ClinVar variation 1052822 (VCV001052822.12), dbSNP rs2146220200, ClinGen allele CA408209492.

ClinVar aggregate classification (germline): Uncertain significance (1 of 4 stars; one submission).

Conditions:
Developmental and epileptic encephalopathy, 12 (DEE12). Identifiers: MedGen C3150988, MONDO:0013389, OMIM 613722.

Submission:

Labcorp Genetics (formerly Invitae), Labcorp
Classification: Uncertain significance for Developmental and epileptic encephalopathy, 12. Last evaluated: 2022-07-19. Review status: criteria provided, single submitter. Criteria: Invitae Variant Classification Sherloc (09022015). Collection method: clinical testing. Allele origin: germline.
Comment: This sequence change replaces glutamic acid, which is acidic and polar, with alanine, which is neutral and non-polar, at codon 1048 of the PLCB1 protein (p.Glu1048Ala). This variant is not present in population databases (gnomAD no frequency). This variant has not been reported in the literature in individuals affected with PLCB1-related conditions. ClinVar contains an entry for this variant (Variation ID: 1052822). Algorithms developed to predict the effect of missense changes on protein structure and function (SIFT, PolyPhen-2, Align-GVGD) all suggest that this variant is likely to be tolerated. In summary, the available evidence is currently insufficient to determine the role of this variant in disease. Therefore, it has been classified as a Variant of Uncertain Significance.